The following is an entry in ClinVar:

NM_138701.4(MPLKIP):c.505dup (p.Thr169fs)

Gene: MPLKIP (M-phase specific PLK1 interacting protein; minus strand). Cytogenetic location: 7p14.1.
Variant type: Duplication.
Coding change: c.505dup on transcript NM_138701.4 (MANE Select); coding-DNA position 505, one base duplicated (A; older notation c.505dupA).
Protein change: p.Thr169fs; shifts the reading frame from threonine 169.
Molecular consequence: frameshift variant.
Genome position (GRCh38, 1-based): chr7:40,133,094, T duplicated on the plus strand (A on the coding strand, the reverse complement: MPLKIP is on the minus strand); the first of 3 consecutive T bases (chr7:40,133,094-40,133,096); duplicating any one gives the same sequence. VCF-style (leftmost placement, unchanged base first): chr7-40133093-G-GT. GRCh37 (hg19) VCF-style: chr7-40172692-G-GT.
Other names: short protein forms T169fs.
Identifiers: ClinVar variation 218158 (VCV000218158.2), dbSNP rs768342562, ClinGen allele CA211162.
Genomic context (GRCh38, chr7:40,133,093, plus strand): 5'-AAGCTTCCAGTTGAATTTCAGAAATGTTAACAAAAGTATCTTCCTTTTTTGCCTGTGAAT[G>GT]TTTGAGTATTGCTGTATTGTTGGCTTATATCCACTACAGATACTGGTTCTAGGCCAGCCC-3'

ClinVar aggregate classification (germline): Pathogenic (0 of 4 stars; one submission).

Conditions:
Trichothiodystrophy 1, photosensitive (TTD1). Also called: TAY SYNDROME; TRICHOTHIODYSTROPHY WITH CONGENITAL ICHTHYOSIS; PIBIDS SYNDROME. Identifiers: Orphanet 33364, MedGen C1866504, MONDO:0011125, OMIM 601675.

Submission:

Molecular Metabolic laboratory, Sheba Medical Center  Tel-Hashomer
Classification: Pathogenic for Trichothiodystrophy 1, photosensitive. Review status: no assertion criteria provided. Collection method: research. Allele origin: biparental. Inheritance: Autosomal recessive inheritance. Affected: yes. Observed: 1 variant allele, 1 homozygote.
Comment: we report a multiplex kindred of Arab-Muslim descent with a total of 16 individuals exhibiting features of TTD, including variable degrees of mental retardation, brittle hair and male infertility. Molecular diagnosis in this highly affected family enable genetic counseling and prenatal diagnosis for future pregnancies.